The following is an entry in ClinVar:

ClinVar aggregate classification (germline): Pathogenic/Likely pathogenic. Review status: criteria provided, multiple submitters, no conflicts (2 of 4 stars). 12 submissions from 11 submitters: Pathogenic (5); Likely pathogenic (5). 2 of the submissions do not count toward it. Last evaluated 2026-06-12.

Conditions:
TPM1-related disorder. Also called: TPM1-related condition.
Cardiovascular phenotype. Identifiers: MedGen CN230736.
Autosomal dominant TPM1-related disorders.
Familial cardiomyopathy. Identifiers: MedGen C0264789, MONDO:0005217.
Left ventricular noncompaction 9 (LVNC9). Identifiers: MedGen C3808145, MONDO:0800346.
Cardiomyopathy (CMYO). Also called: Cardiomyopathies. Identifiers: Orphanet 167848, MedGen C0878544, MONDO:0004994, HP:0001638. Inheritance: Various modes of inheritance.
Hypertrophic cardiomyopathy 3. Also called: TPM1-Related Familial Hypertrophic Cardiomyopathy. Identifiers: MedGen C1861863, MONDO:0007267, OMIM 115196.
Dilated cardiomyopathy 1Y (CMD1Y). Identifiers: Orphanet 154, Orphanet 54260, MedGen C2678476, MONDO:0012744, OMIM 611878.
Primary dilated cardiomyopathy (DCM). Also called: Dilated Cardiomyopathy. Identifiers: Orphanet 217604, MedGen C0007193, MeSH D002311, MONDO:0005021, HP:0001644. Inheritance: Various modes of inheritance.
Hypertrophic cardiomyopathy. Also called: HYPERTROPHIC MYOCARDIOPATHY. Identifiers: Orphanet 217569, MedGen C0007194, MeSH D002312, MONDO:0005045, HP:0001639.

Submissions (12):

Molecular Diagnostic Laboratory for Inherited Cardiovascular Disease, Montreal Heart Institute
Classification: Pathogenic for Cardiovascular phenotype. Last evaluated: 2026-06-12. Review status: criteria provided, single submitter. Criteria: ACMG Guidelines, 2015. Collection method: clinical testing. Allele origin: germline. Affected: yes.

Variantyx, Inc.
Classification: Likely pathogenic for Autosomal dominant TPM1-related disorders. Last evaluated: 2025-10-13. Review status: criteria provided, single submitter. Criteria: Variantyx Assertion Criteria 2022. Collection method: clinical testing. Allele origin: de novo. Inheritance: Autosomal dominant inheritance. Affected: yes.
Comment: This is a nonsynonymous variant in the TPM1 gene (OMIM: 191010). Pathogenic variants in this gene have been associated with autosomal dominant TPM1-related disorders. This variant has been reported in the heterozygous state in multiple unrelated individuals with complex heart disease, including Ebstein anomaly and hypertrophic cardiomyopathy (PMID: 27177193, 27532257, 37652022). Multiple computational algorithms predict a deleterious effect for this variant (REVEL score: 0.683) (PP3). This variant is absent from control populations (PM2). Based on the current evidence, this variant is classified as likely pathogenic for autosomal dominant TPM1-related disorders.

Labcorp Genetics (formerly Invitae), Labcorp
Classification: Pathogenic for Hypertrophic cardiomyopathy. Last evaluated: 2024-11-09. Review status: criteria provided, single submitter. Criteria: Invitae Variant Classification Sherloc (09022015). Collection method: clinical testing. Allele origin: germline.
Comment: This sequence change replaces aspartic acid, which is acidic and polar, with asparagine, which is neutral and polar, at codon 159 of the TPM1 protein (p.Asp159Asn). This variant is not present in population databases (gnomAD no frequency). This missense change has been observed in individual(s) with cardiomyopathy and Ebstein anomaly, left ventricular noncompaction cardiomyopathy (LVNC), and end-stage heart failure and hypertrophic cardiomyopathy (PMID: 27177193, 27532257; internal data). In at least one individual the variant was observed to be de novo. ClinVar contains an entry for this variant (Variation ID: 43420). An algorithm developed to predict the effect of missense changes on protein structure and function (PolyPhen-2) suggests that this variant is likely to be disruptive. For these reasons, this variant has been classified as Pathogenic.

GeneDx
Classification: Pathogenic. Last evaluated: 2022-06-14. Review status: criteria provided, single submitter. Criteria: GeneDx Variant Classification Process June 2021. Collection method: clinical testing. Allele origin: germline. Affected: yes.
Comment: Not observed in large population cohorts (gnomAD); In silico analysis supports that this missense variant has a deleterious effect on protein structure/function; Reported in ClinVar but additional evidence is not available; This variant is associated with the following publications: (PMID: 29024827, 27532257, 28359939, 31737537, Kopylova 2021[poster], 27177193, 29517769)

Victorian Clinical Genetics Services, Murdoch Childrens Research Institute
Classification: Pathogenic for Familial cardiomyopathy. Last evaluated: 2022-03-31. Review status: criteria provided, single submitter. Criteria: ACMG Guidelines, 2015. Collection method: clinical testing. Allele origin: germline. Inheritance: Autosomal dominant inheritance.
Comment: Based on the classification scheme VCGS_Germline_v1.3.4, this variant is classified as Pathogenic. Following criteria are met: 0105 - The mechanism of disease for this gene is not clearly established, although it has been suggested that that HCM is caused by gain of function missense variants while DCM is caused by loss of function missense variants (PMID: 31270709). (I) 0107 - This gene is associated with autosomal dominant disease. (I) 0200 - Variant is predicted to result in a missense amino acid change from aspartic acid to asparagine. (I) 0251 - This variant is heterozygous. (I) 0301 - Variant is absent from gnomAD (both v2 and v3). (SP) 0502 - Missense variant with conflicting in silico predictions and uninformative conservation. (I) 0600 - Variant is located in the annotated tropomyosin domain (DECIPHER). (I) 0705 - No comparable missense variants have previous evidence for pathogenicity. (I) 0801 - This variant has strong previous evidence of pathogenicity in unrelated individuals. It has been reported in multiple individuals with cardiomyopathies (DCM, HCM and Ebstein anomaly of the tricuspid valve which can be associated with left ventricular non-compaction), including de novo reports (ClinVar, LOVD, PMID: 29517769, 27177193, 27532257). (SP) 0905 - No published segregation evidence has been identified for this variant. (I) 1007 - No published functional evidence has been identified for this variant. (SP) Legend: (SP) - Supporting pathogenic, (I) - Information, (SB) - Supporting benign

Women's Health and Genetics/Laboratory Corporation of America, LabCorp
Classification: Pathogenic for Cardiomyopathy. Last evaluated: 2019-11-19. Review status: criteria provided, single submitter. Criteria: LabCorp Variant Classification Summary - May 2015. Collection method: clinical testing. Allele origin: germline.
Comment: Variant Summary: TPM1 c.475G>A (p.Asp159Asn) results in a conservative amino acid change in the encoded protein sequence. Four of five in-silico tools predict a damaging effect of the variant on protein function. The variant was absent in 251370 control chromosomes (gnomAD). c.475G>A has been reported in the literature in individuals affected with Cardiomyopathy, including two cases in which the mutation was identified as de-novo in children affected with Ebstein anomaly and left ventricular noncompaction (Kelle_2016) and dilated cardiomyopathy with left ventricular hypertophy (Herkert_2018). These data indicate that the variant is likely associated with disease. To our knowledge, no experimental evidence demonstrating an impact on protein function has been reported. Five other ClinVar submitters (evaluation after 2014) have cited the variant four times as pathogenic/likely pathogenic and once as uncertain significance. Based on the evidence outlined above, the variant was re-classified as pathogenic.

Blueprint Genetics
Classification: Likely pathogenic for TPM1-related disorders. Last evaluated: 2019-03-26. Review status: criteria provided, single submitter. Criteria: ACMG Guidelines, 2015. Collection method: clinical testing. Allele origin: germline. Affected: yes. Observed: 2 variant alleles.

Baylor Genetics
Classification: Likely pathogenic for Hypertrophic cardiomyopathy 3. Last evaluated: 2018-05-30. Review status: criteria provided, single submitter. Criteria: ACMG Guidelines, 2015. Collection method: clinical testing. Allele origin: de novo. Affected: yes.
Comment: This variant was determined to be likely pathogenic according to ACMG Guidelines, 2015 [PMID:25741868].

Center for Advanced Laboratory Medicine, UC San Diego Health, University of California San Diego
Classification: Likely pathogenic for Dilated cardiomyopathy. Last evaluated: 2017-08-21. Review status: criteria provided, single submitter. Criteria: ACMG Guidelines, 2015. Collection method: clinical testing. Allele origin: germline. Affected: yes. Observed: 1 variant allele.

Laboratory for Molecular Medicine, Mass General Brigham Personalized Medicine
Classification: Likely pathogenic for Primary dilated cardiomyopathy. Last evaluated: 2011-10-11. Review status: criteria provided, single submitter. Criteria: LMM Criteria. Collection method: clinical testing. Allele origin: germline. Observed: 1 variant allele.

OMIM
Classification: Pathogenic for LEFT VENTRICULAR NONCOMPACTION 9. Last evaluated: 2023-01-18. Review status: no assertion criteria provided. Collection method: literature only. Allele origin: germline. Not counted in ClinVar's aggregate classification.

Baylor Genetics
Classification: Uncertain significance for Dilated cardiomyopathy 1Y. Last evaluated: 2017-09-01. Review status: flagged submission. Criteria: ACMG Guidelines, 2015. Collection method: clinical testing. Allele origin: de novo. Inheritance: Autosomal dominant inheritance. Affected: yes. Not counted in ClinVar's aggregate classification.
ClinVar note: Reason: Clinical significance appears to be a case-level interpretation inconsistent with variant classification

Literature cited by the submitters: PubMed 27177193 (cited by 5 submitters); PubMed 27532257 (cited by 4 submitters); PubMed 37652022 (cited by Variantyx, Inc.); PubMed 29517769 (cited by Victorian Clinical Genetics Services, Murdoch Childrens Research Institute and Women's Health and Genetics/Laboratory Corporation of America, LabCorp); PubMed 31270709 (cited by Victorian Clinical Genetics Services, Murdoch Childrens Research Institute); PubMed 28359939 (cited by Women's Health and Genetics/Laboratory Corporation of America, LabCorp); PubMed 29024827 (cited by Women's Health and Genetics/Laboratory Corporation of America, LabCorp); PubMed 25326635 (cited by Baylor Genetics).

NM_001018005.2(TPM1):c.475G>A (p.Asp159Asn)

Gene: TPM1 (tropomyosin 1; plus strand). Cytogenetic location: 15q22.2.
Variant type: single nucleotide variant.
Coding change: c.475G>A on transcript NM_001018005.2 (MANE Select); coding-DNA position 475, G replaced by A.
Protein change: p.Asp159Asn; replaces aspartic acid 159 with asparagine.
Molecular consequence: missense variant.
Genome position (GRCh38, 1-based): chr15:63,059,663, G>A. VCF-style: chr15-63059663-G-A. GRCh37 (hg19) VCF-style: chr15-63351862-G-A.
Other names: p.D159N:GAC>AAC; TPM1, ASP159ASN (rs397516373); c.475G>A, p.Asp159Asn (NM_000366.6, NM_001018004.2, NM_001018006.2 and 6 more transcripts); c.367G>A, p.Asp123Asn (NM_001018008.2, NM_001301289.2, NM_001330344.2 and 5 more transcripts); c.601G>A, p.Asp201Asn (NM_001365778.1); short protein forms D159N, D123N, D201N.
Identifiers: ClinVar variation 43420 (VCV000043420.28), dbSNP rs397516373, ClinGen allele CA018069.
Genomic context (GRCh38, chr15:63,059,663, plus strand): 5'-GAAAAAATGGAAATTCAGGAGATCCAACTGAAAGAGGCCAAGCACATTGCTGAAGATGCC[G>A]ACCGCAAATATGAAGAGGTCAGATCCTGGGGCCCAAAGCCTTGTGGACACCCAGCAGTGG-3'
Protein context (NP_001018005.1, residues 149-169): KEAKHIAEDA[Asp159Asn]RKYEEVARKL